The following is an entry in ClinVar:

NM_001267550.2(TTN):c.49358C>T (p.Pro16453Leu)

Genes: TTN (titin; minus strand), TTN-AS1 (TTN antisense RNA 1; plus strand). Cytogenetic location: 2q31.2.
Variant type: single nucleotide variant.
Coding change: c.49358C>T on transcript NM_001267550.2 (MANE Select); coding-DNA position 49358, C replaced by T.
Protein change: p.Pro16453Leu; replaces proline 16453 with leucine.
Molecular consequence: missense variant.
Genome position (GRCh38, 1-based): chr2:178,613,925, G>A on the plus strand (C>T on the coding strand, the complement: TTN is on the minus strand). VCF-style: chr2-178613925-G-A. GRCh37 (hg19) VCF-style: chr2-179478652-G-A.
Other names: c.44435C>T, p.Pro14812Leu (NM_001256850.1); c.22163C>T, p.Pro7388Leu (NM_003319.4); c.41654C>T, p.Pro13885Leu (NM_133378.4); c.22538C>T, p.Pro7513Leu (NM_133432.3); c.22739C>T, p.Pro7580Leu (NM_133437.4); short protein forms P7388L, P13885L, P14812L, P16453L, P7513L, P7580L.
Identifiers: ClinVar variation 1787833 (VCV001787833.2), dbSNP rs376498195, ClinGen allele CA1994612.

ClinVar aggregate classification (germline): Uncertain significance (1 of 4 stars; one submission).

Conditions:
Cardiovascular phenotype. Identifiers: MedGen CN230736.

Allele frequency attached by ClinVar (database versions not stated): gnomAD exomes below 0.00001; TOPMed below 0.00001; gnomAD 0.00001; ExAC 0.00002; ESP Exome Variant Server 0.00008.
gnomAD v4.1: 4 of 1,607,428 alleles (0.00025%); highest among the groups gnomAD compares: African/African-American, 0.0054%; no homozygotes.

Submission:

Ambry Genetics
Classification: Uncertain significance for Cardiovascular phenotype. Last evaluated: 2019-12-12. Review status: criteria provided, single submitter. Criteria: Ambry Variant Classification Scheme 2023. Collection method: clinical testing. Allele origin: germline.
Comment: The p.P7388L variant (also known as c.22163C>T), located in coding exon 90 of the TTN gene, results from a C to T substitution at nucleotide position 22163. The proline at codon 7388 is replaced by leucine, an amino acid with similar properties. This amino acid position is well conserved in available vertebrate species. In addition, the in silico prediction for this alteration is inconclusive. Since supporting evidence is limited at this time, the clinical significance of this alteration remains unclear.